The following is an entry in ClinVar:

NM_000492.4(CFTR):c.2074G>C (p.Glu692Gln)

Gene: CFTR (CF transmembrane conductance regulator; plus strand). Cytogenetic location: 7q31.2.
Variant type: single nucleotide variant.
Coding change: c.2074G>C on transcript NM_000492.4 (MANE Select); coding-DNA position 2074, G replaced by C.
Protein change: p.Glu692Gln; replaces glutamic acid 692 with glutamine.
Molecular consequence: missense variant.
Genome position (GRCh38, 1-based): chr7:117,592,241, G>C. VCF-style: chr7-117592241-G-C. GRCh37 (hg19) VCF-style: chr7-117232295-G-C.
Other names: short protein forms E692Q.
Identifiers: ClinVar variation 3231844 (VCV003231844.1), dbSNP rs397508337, ClinGen allele CA368979564.

ClinVar aggregate classification (germline): Uncertain significance (1 of 4 stars; one submission).

Conditions:
Cystic fibrosis (CF). Also called: MUCOVISCIDOSIS. Identifiers: Orphanet 586, MedGen C0010674, MONDO:0009061, OMIM 219700. Disease mechanism: loss of function.

Submission:

Ambry Genetics
Classification: Uncertain significance for Cystic fibrosis. Last evaluated: 2024-03-09. Review status: criteria provided, single submitter. Criteria: Ambry Variant Classification Scheme 2023. Collection method: clinical testing. Allele origin: germline.
Comment: The p.E692Q variant (also known as c.2074G>C), located in coding exon 14 of the CFTR gene, results from a G to C substitution at nucleotide position 2074. The glutamic acid at codon 692 is replaced by glutamine, an amino acid with highly similar properties. This amino acid position is conserved. In addition, the in silico prediction for this alteration is inconclusive. Based on the available evidence, the clinical significance of this alteration remains unclear.